The following is an entry in ClinVar:

NM_006767.4(LZTR1):c.729C>A (p.Phe243Leu)

Gene: LZTR1 (leucine zipper like post translational regulator 1; plus strand). Cytogenetic location: 22q11.21.
Variant type: single nucleotide variant.
Coding change: c.729C>A on transcript NM_006767.4 (MANE Select); coding-DNA position 729, C replaced by A.
Protein change: p.Phe243Leu; replaces phenylalanine 243 with leucine.
Molecular consequence: missense variant.
Genome position (GRCh38, 1-based): chr22:20,990,463, C>A. VCF-style: chr22-20990463-C-A. GRCh37 (hg19) VCF-style: chr22-21344752-C-A.
Other names: short protein forms F243L.
Identifiers: ClinVar variation 2882179 (VCV002882179.3), dbSNP rs2518615801, ClinGen allele CA410780576.

ClinVar aggregate classification (germline): Uncertain significance (1 of 4 stars; one submission).

Submission:

Labcorp Genetics (formerly Invitae), Labcorp
Classification: Uncertain significance. Last evaluated: 2023-11-25. Review status: criteria provided, single submitter. Criteria: Invitae Variant Classification Sherloc (09022015). Collection method: clinical testing. Allele origin: germline.
Comment: This sequence change replaces phenylalanine, which is neutral and non-polar, with leucine, which is neutral and non-polar, at codon 243 of the LZTR1 protein (p.Phe243Leu). This variant is not present in population databases (gnomAD no frequency). This variant has not been reported in the literature in individuals affected with LZTR1-related conditions. Advanced modeling of protein sequence and biophysical properties (such as structural, functional, and spatial information, amino acid conservation, physicochemical variation, residue mobility, and thermodynamic stability) performed at Invitae indicates that this missense variant is not expected to disrupt LZTR1 protein function with a negative predictive value of 80%. In summary, the available evidence is currently insufficient to determine the role of this variant in disease. Therefore, it has been classified as a Variant of Uncertain Significance.